The following is an entry in ClinVar:

NM_017514.5(PLXNA3):c.3247G>A (p.Gly1083Ser)

Gene: PLXNA3 (plexin A3; plus strand). Cytogenetic location: Xq28.
Variant type: single nucleotide variant.
Coding change: c.3247G>A on transcript NM_017514.5 (MANE Select); coding-DNA position 3247, G replaced by A.
Protein change: p.Gly1083Ser; replaces glycine 1083 with serine.
Molecular consequence: missense variant.
Genome position (GRCh38, 1-based): chrX:154,467,277, G>A. VCF-style: chrX-154467277-G-A. GRCh37 (hg19) VCF-style: chrX-153695620-G-A.
Other names: short protein forms G1083S.
Identifiers: ClinVar variation 4140129 (VCV004140129.2).
Genomic context (GRCh38, chrX:154,467,277, plus strand): 5'-CCTTTGTCCCCACAGACATGCCAAGTGATCAACGACACTGCCATGCTGTGTAAGGCCCCC[G>A]GCATCTTTCTTGGGCGGCCCCAGCCTCGGGCGCAAGGCGAGCACCCTGATGAGTTTGGCT-3'
Protein context (NP_059984.3, residues 1073-1093): NDTAMLCKAP[Gly1083Ser]IFLGRPQPRA

ClinVar aggregate classification (germline): Uncertain significance. Review status: criteria provided, multiple submitters, no conflicts (2 of 4 stars). 2 submissions from 2 submitters: Uncertain significance (2). Last evaluated 2026-06-29.

Conditions:
PLXNA3-related disorder. Also called: PLXNA3-related condition.

gnomAD v4.1: 8 of 1,208,197 alleles (0.00066%); highest among the groups gnomAD compares: Non-Finnish European, 0.00089%; no homozygotes.

Submissions (2):

PreventionGenetics, part of Exact Sciences
Classification: Uncertain significance for PLXNA3-related condition. Last evaluated: 2026-06-29. Review status: criteria provided, single submitter. Criteria: ACMG Guidelines, 2015. Collection method: clinical testing. Allele origin: germline.
Comment: The PLXNA3 c.3247G>A variant is predicted to result in the amino acid substitution p.Gly1083Ser. To our knowledge, this variant has not been reported in the literature. This variant is reported in 0.0072% of alleles in individuals of East Asian descent in gnomAD. At this time, the clinical significance of this variant is uncertain due to the absence of conclusive functional and genetic evidence.

Ambry Genetics
Classification: Uncertain significance. Last evaluated: 2025-07-31. Review status: criteria provided, single submitter. Criteria: Ambry Variant Classification Scheme 2023. Collection method: clinical testing. Allele origin: germline.